The following is an entry in ClinVar:

ClinVar aggregate classification (germline): Uncertain significance (1 of 4 stars; one submission).

Conditions:
Hereditary cancer-predisposing syndrome. Also called: Neoplastic Syndromes, Hereditary; Tumor predisposition; Hereditary Cancer Syndrome; Hereditary neoplastic syndrome. Identifiers: Orphanet 140162, MedGen C0027672, MeSH D009386, MONDO:0015356.

Submission:

Ambry Genetics
Classification: Uncertain significance for Hereditary cancer-predisposing syndrome. Last evaluated: 2026-05-19. Review status: criteria provided, single submitter. Criteria: Ambry Variant Classification Scheme 2023. Collection method: clinical testing. Allele origin: germline.
Comment: The p.D57E variant (also known as c.171T>G), located in coding exon 2 of the DICER1 gene, results from a T to G substitution at nucleotide position 171. The aspartic acid at codon 57 is replaced by glutamic acid, an amino acid with highly similar properties. This amino acid position is conserved. In addition, this alteration is predicted to be tolerated by in silico analysis. Based on the available evidence, the clinical significance of this variant remains unclear.

NM_177438.3(DICER1):c.171T>G (p.Asp57Glu)

Gene: DICER1 (dicer 1, ribonuclease III; minus strand). Cytogenetic location: 14q32.13.
Variant type: single nucleotide variant.
Coding change: c.171T>G on transcript NM_177438.3 (MANE Select); coding-DNA position 171, T replaced by G.
Protein change: p.Asp57Glu; replaces aspartic acid 57 with glutamic acid.
Molecular consequence: missense variant. On other transcripts: 5 prime UTR variant (9), non-coding transcript variant (6).
Genome position (GRCh38, 1-based): chr14:95,132,651, A>C on the plus strand (T>G on the coding strand, the complement: DICER1 is on the minus strand). VCF-style: chr14-95132651-A-C. GRCh37 (hg19) VCF-style: chr14-95598988-A-C.
Other names: c.171T>G, p.Asp57Glu (NM_001195573.1, NM_001271282.3, NM_001291628.2 and 14 more transcripts); c.-104T>G (NM_001395686.1, NM_001395687.1, NM_001395688.1 and 4 more transcripts); c.-288T>G (NM_001395691.1); c.-1398T>G (NM_001395697.1); short protein forms D57E.
Identifiers: ClinVar variation 4869797 (VCV004869797.1).